The following is an entry in ClinVar:

NM_001378457.1(DMXL2):c.2114A>C (p.Gln705Pro)

Gene: DMXL2 (Dmx like 2; minus strand). Cytogenetic location: 15q21.2.
Variant type: single nucleotide variant.
Coding change: c.2114A>C on transcript NM_001378457.1 (MANE Select); coding-DNA position 2114, A replaced by C.
Protein change: p.Gln705Pro; replaces glutamine 705 with proline.
Molecular consequence: missense variant. On other transcripts: non-coding transcript variant (2).
Genome position (GRCh38, 1-based): chr15:51,536,366, T>G on the plus strand (A>C on the coding strand, the complement: DMXL2 is on the minus strand). VCF-style: chr15-51536366-T-G. GRCh37 (hg19) VCF-style: chr15-51828563-T-G.
Other names: c.2114A>C, p.Gln705Pro (NM_001174116.3, NM_001174117.3, NM_001378458.1 and 6 more transcripts); c.1874A>C, p.Gln625Pro (NM_001378464.1); c.2114A>C (NM_001174116.1); short protein forms Q625P, Q705P.
Identifiers: ClinVar variation 2170131 (VCV002170131.18), dbSNP rs2048287073, ClinGen allele CA392442836.

ClinVar aggregate classification (germline): Uncertain significance. Review status: criteria provided, multiple submitters, no conflicts (2 of 4 stars). 7 submissions from 7 submitters: Uncertain significance (6). 1 of the submissions does not count toward it. Last evaluated 2026-09-01.

Conditions:
Inborn genetic diseases. Identifiers: MedGen C0950123, MeSH D030342.
Polyendocrine-polyneuropathy syndrome (PEPNS). Identifiers: Orphanet 453533, MedGen C4015261, MONDO:0014497, OMIM 616113.
DMXL2-related disorder. Also called: DMXL2-related condition.

Allele frequency attached by ClinVar (database versions not stated): gnomAD exomes 0.00001.
gnomAD v4.1: 24 of 1,613,758 alleles (0.0015%); highest among the groups gnomAD compares: African/African-American, 0.019%; no homozygotes.

Submissions (7):

CeGaT Center for Human Genetics Tuebingen
Classification: Uncertain significance. Last evaluated: 2026-09-01. Review status: criteria provided, single submitter. Criteria: CeGaT Center For Human Genetics Tuebingen Variant Classification Criteria Version 2. Collection method: clinical testing. Allele origin: germline. Affected: yes. Observed: 2 variant alleles.
Comment: DMXL2: PM2:Supporting, BP4

Labcorp Genetics (formerly Invitae), Labcorp
Classification: Uncertain significance. Last evaluated: 2025-12-30. Review status: criteria provided, single submitter. Criteria: Invitae Variant Classification Sherloc (09022015). Collection method: clinical testing. Allele origin: germline.
Comment: This sequence change replaces glutamine, which is neutral and polar, with proline, which is neutral and non-polar, at codon 705 of the DMXL2 protein (p.Gln705Pro). This variant is not present in population databases (gnomAD no frequency). This variant has not been reported in the literature in individuals affected with DMXL2-related conditions. ClinVar contains an entry for this variant (Variation ID: 2170131). An algorithm developed to predict the effect of missense changes on protein structure and function (PolyPhen-2) suggests that this variant is likely to be disruptive. In summary, the available evidence is currently insufficient to determine the role of this variant in disease. Therefore, it has been classified as a Variant of Uncertain Significance.

Ambry Genetics
Classification: Uncertain significance for Inborn genetic diseases. Last evaluated: 2025-06-10. Review status: criteria provided, single submitter. Criteria: Ambry Variant Classification Scheme 2023. Collection method: clinical testing. Allele origin: germline.

Genomic Medicine Center of Excellence, King Faisal Specialist Hospital and Research Centre
Classification: Uncertain significance for Polyendocrine-polyneuropathy syndrome. Last evaluated: 2024-12-19. Review status: criteria provided, single submitter. Criteria: ACMG Guidelines, 2015. Collection method: clinical testing. Allele origin: germline.

Blueprint Genetics
Classification: Uncertain significance. Last evaluated: 2024-09-23. Review status: criteria provided, single submitter. Criteria: ACMG Guidelines, 2015. Collection method: clinical testing. Allele origin: germline.

Clinical Genetics Laboratory, Skane University Hospital Lund
Classification: Uncertain significance. Last evaluated: 2022-06-16. Review status: criteria provided, single submitter. Criteria: ACMG Guidelines, 2015. Collection method: clinical testing. Allele origin: germline. Affected: yes.

PreventionGenetics, part of Exact Sciences
Classification: Uncertain significance for DMXL2-related condition. Last evaluated: 2024-02-09. Review status: no assertion criteria provided. Collection method: clinical testing. Allele origin: germline. Not counted in ClinVar's aggregate classification.
Comment: The DMXL2 c.2114A>C variant is predicted to result in the amino acid substitution p.Gln705Pro. To our knowledge, this variant has not been reported in the literature or in a large population database, indicating this variant is rare. At this time, the clinical significance of this variant is uncertain due to the absence of conclusive functional and genetic evidence.